The following is an entry in ClinVar:

ClinVar aggregate classification (germline): Likely pathogenic (1 of 4 stars; one submission).

Conditions:
Frontotemporal dementia (FTD1). Also called: MULTIPLE SYSTEM TAUOPATHY WITH PRESENILE DEMENTIA; Dementia, frontotemporal, with or without parkinsonism; FRONTOTEMPORAL DEMENTIA WITH PARKINSONISM; FRONTOTEMPORAL LOBE DEMENTIA; Frontotemporal Dementia with Parkinsonism-17 (FTDP-17); WILHELMSEN-LYNCH DISEASE. Identifiers: Orphanet 282, MedGen C0338451, MONDO:0017276, OMIM 600274, HP:0002145.

Submission:

Human Genome Lab, NIMHANS, National Institute of Mental Health and Neuro Sciences
Classification: Likely pathogenic for Frontotemporal dementia. Review status: criteria provided, single submitter. Criteria: ACMG Guidelines, 2015. Collection method: clinical testing. Allele origin: germline. Inheritance: Autosomal dominant inheritance. Affected: yes. Observed: 1 heterozygote.
Comment: The missense variant NM_005910.6(MAPT):c.851T>A (p.Leu284His) has not been reported previously as a pathogenic variant nor as a benign variant, to our knowledge. The p.Leu284His variant is novel (not in any individuals) in 1kG All. The p.Leu284His variant is novel (not in any individuals) in gnomAD PM2 . There is a moderate physicochemical difference between leucine and histidine. The gene MAPT has a low rate of benign missense variation as indicated by a high missense variants Z-Score of 3.00. The gene MAPT contains 17 pathogenic missense variants, indicating that missense variants are a common mechanism of disease in this gene PP2 . The p.Leu284His missense variant is predicted to be damaging by both SIFT and PolyPhen2. Alpha Missense also classifies this variant as pathogenic (PP3). The leucine residue at codon 284 of MAPT is conserved in all mammalian species. The nucleotide c.851 in MAPT is predicted conserved by GERP++ and PhyloP across 100 vertebrates. ACMG Criteria - PM2 PP2 PP3 PP4_Moderate

NM_001377265.1(MAPT):c.2027T>A (p.Leu676His)

Gene: MAPT (microtubule associated protein tau). Cytogenetic location: 17q21.31.
Variant type: single nucleotide variant.
Coding change: c.2027T>A on transcript NM_001377265.1 (MANE Select); coding-DNA position 2027, T replaced by A.
Protein change: p.Leu676His; replaces leucine 676 with histidine.
Molecular consequence: missense variant. On other transcripts: intron variant (6).
Genome position (GRCh38, 1-based): chr17:46,010,338, T>A. VCF-style: chr17-46010338-T-A. GRCh37 (hg19) VCF-style: chr17-44087704-T-A.
Other names: c.1856T>A, p.Leu619His (NM_001123066.4); c.764T>A, p.Leu255His (NM_001123067.4); c.851T>A, p.Leu284His (NM_005910.6); c.677T>A, p.Leu226His (NM_016834.5); c.1802T>A, p.Leu601His (NM_016835.5); c.649-3905T>A (NM_001377268.1, NM_016841.5); c.823-3905T>A (NM_001203252.2); c.1801-3905T>A (NM_001377266.1); and 1 more; short protein forms L226H, L255H, L284H, L601H, L619H, L676H.
Identifiers: ClinVar variation 3778831 (VCV003778831.1).